The following is an entry in ClinVar:

ClinVar aggregate classification (germline): Uncertain significance. Review status: criteria provided, multiple submitters, no conflicts (2 of 4 stars). 5 submissions from 4 submitters: Uncertain significance (2). 3 of the submissions do not count toward it. Last evaluated 2026-09-08.

Conditions:
Fabry disease. Also called: ALPHA-GALACTOSIDASE A DEFICIENCY; ANDERSON-FABRY DISEASE; CERAMIDE TRIHEXOSIDASE DEFICIENCY; Fabry's disease; Angiokeratoma corporis diffusum; Ceramide trihexosidosis. Identifiers: Orphanet 324, MedGen C0002986, MONDO:0010526, OMIM 301500, HP:0001071. Disease mechanism: loss of function, Fabry disease is due to inactivating mutations in the X-linked GLA gene resulting in deficiency of the enzyme Alpha Galactosidase-A..
Migalastat response. Also called: 1-Deoxygalactonojirimycin response; Galafold response. Identifiers: MedGen CN233149.

Submissions (5):

Genomenon, Inc
Classification: Uncertain significance for Fabry disease. Last evaluated: 2026-09-08. Review status: criteria provided, single submitter. Criteria: Genomenon Sequence Variant Interpretation Standards - Updated. Collection method: curation. Allele origin: germline. Affected: no.
Comment: GLA p.Val164Leu (c.490G>T) is a missense variant that changes the amino acid at codon 164 from Valine to Leucine. This variant has been reported in the published literature (PMID:28848191;26415523). This variant is located in a mutational hotspot and/or important functional domain. It is absent or not present at a significant frequency in gnomAD. In silico models predict that this variant is possibly or probably damaging. In conclusion, we classify GLA p.Val164Leu (c.490G>T) as a variant of uncertain significance.

Genome-Nilou Lab
Classification: Uncertain significance for Fabry disease. Last evaluated: 2021-07-15. Review status: criteria provided, single submitter. Criteria: ACMG Guidelines, 2015. Collection method: clinical testing. Allele origin: germline. Affected: no.

Center for Medical Genetics and Molecular Medicine, Haukeland University Hospital
Classification: Benign for Fabry disease. Last evaluated: 2017-07-03. Review status: no assertion criteria provided. Collection method: clinical testing. Allele origin: germline. Inheritance: X-linked inheritance. Observed: 1 variant allele, 1 heterozygote. Not counted in ClinVar's aggregate classification.
Comment: Extensive evaluation of family with this variant. All investigations completely normal, including renal biopsy (with no Gb3 depositys)

Albrecht-Kossel-Institute, Medical University Rostock
Classification: Uncertain significance for Fabry's disease. Last evaluated: 2014-01-01. Review status: no assertion criteria provided. Collection method: research. Allele origin: inherited. Not counted in ClinVar's aggregate classification.

Albrecht-Kossel-Institute, Medical University Rostock
Classification: drug response for deoxygalactonojirimycin response. Last evaluated: 2014-01-01. Review status: no assertion criteria provided. Collection method: research. Allele origin: inherited. Not counted in ClinVar's aggregate classification.

Literature cited by the submitters: PubMed 28848191 (cited by Genomenon, Inc); PubMed 26415523 (cited by Genomenon, Inc and Albrecht-Kossel-Institute, Medical University Rostock).

NM_000169.3(GLA):c.490G>T (p.Val164Leu)

Genes: GLA (galactosidase alpha; minus strand), RPL36A-HNRNPH2 (RPL36A-HNRNPH2 readthrough; plus strand). Cytogenetic location: Xq22.1.
Variant type: single nucleotide variant.
Coding change: c.490G>T on transcript NM_000169.3 (MANE Select); coding-DNA position 490, G replaced by T.
Protein change: p.Val164Leu; replaces valine 164 with leucine.
Molecular consequence: missense variant. On other transcripts: non-coding transcript variant (3), intron variant (2).
Genome position (GRCh38, 1-based): chrX:101,401,689, C>A on the plus strand (G>T on the coding strand, the complement: GLA is on the minus strand). VCF-style: chrX-101401689-C-A. GRCh37 (hg19) VCF-style: chrX-100656677-C-A.
Other names: c.613G>T, p.Val205Leu (NM_001406747.1, NM_001406749.1); c.490G>T, p.Val164Leu (NM_001406748.1); c.300+6232C>A (NM_001199973.2); c.177+9867C>A (NM_001199974.2); short protein forms V164L, V205L.
Identifiers: ClinVar variation 217386 (VCV000217386.6), dbSNP rs869312144, ClinGen allele CA353012.